The following is an entry in ClinVar:

ClinVar aggregate classification (germline): Uncertain significance (1 of 4 stars; one submission).

Submission:

Labcorp Genetics (formerly Invitae), Labcorp
Classification: Uncertain significance. Last evaluated: 2022-10-25. Review status: criteria provided, single submitter. Criteria: Invitae Variant Classification Sherloc (09022015). Collection method: clinical testing. Allele origin: germline.
Comment: In summary, the available evidence is currently insufficient to determine the role of this variant in disease. Therefore, it has been classified as a Variant of Uncertain Significance. Algorithms developed to predict the effect of missense changes on protein structure and function (SIFT, PolyPhen-2, Align-GVGD) all suggest that this variant is likely to be tolerated. This variant has not been reported in the literature in individuals affected with DHX32-related conditions. This variant is not present in population databases (gnomAD no frequency). This sequence change replaces glutamic acid, which is acidic and polar, with lysine, which is basic and polar, at codon 324 of the DHX32 protein (p.Glu324Lys).

NM_018180.3(DHX32):c.970G>A (p.Glu324Lys)

Gene: DHX32 (DEAH-box helicase 32 (putative); minus strand). Cytogenetic location: 10q26.2.
Variant type: single nucleotide variant.
Coding change: c.970G>A on transcript NM_018180.3 (MANE Select); coding-DNA position 970, G replaced by A.
Protein change: p.Glu324Lys; replaces glutamic acid 324 with lysine.
Molecular consequence: missense variant.
Genome position (GRCh38, 1-based): chr10:125,854,083, C>T on the plus strand (G>A on the coding strand, the complement: DHX32 is on the minus strand). VCF-style: chr10-125854083-C-T. GRCh37 (hg19) VCF-style: chr10-127542652-C-T.
Other names: short protein forms E324K.
Identifiers: ClinVar variation 1969224 (VCV001969224.5), dbSNP rs2494422805, ClinGen allele CA378676965.